The following is an entry in ClinVar:

NM_000642.3(AGL):c.4260-1G>A

Gene: AGL (amylo-alpha-1,6-glucosidase and 4-alpha-glucanotransferase; plus strand). Cytogenetic location: 1p21.2.
Variant type: single nucleotide variant.
Coding change: c.4260-1G>A on transcript NM_000642.3 (MANE Select); the canonical splice acceptor site of the intron before coding-DNA position 4260, G replaced by A.
Molecular consequence: splice acceptor variant.
Genome position (GRCh38, 1-based): chr1:99,916,409, G>A. VCF-style: chr1-99916409-G-A. GRCh37 (hg19) VCF-style: chr1-100381965-G-A.
Other names: c.4260-1G>A (NM_000643.3, NM_000644.3, NM_001425325.1 and 1 more transcripts); c.4212-1G>A (NM_000646.3); c.4239-1G>A (NM_001425326.1); c.4059-1G>A (NM_001425327.1); c.4056-1G>A (NM_001425328.1); c.3921-1G>A (NM_001425329.1); c.3882-1G>A (NM_001425332.1).
Identifiers: ClinVar variation 2585090 (VCV002585090.1), dbSNP rs1360640311, ClinGen allele CA341342155.

ClinVar aggregate classification (germline): Likely pathogenic (1 of 4 stars; one submission).

Conditions:
Glycogen storage disease type III (GSD3). Also called: Cori disease; FORBES DISEASE. Identifiers: Orphanet 366, MedGen C0017922, MONDO:0009291, OMIM 232400.

Allele frequency attached by ClinVar (database versions not stated): gnomAD exomes below 0.00001.
gnomAD v4.1: 1 of 1,602,270 alleles (0.000062%); highest among the groups gnomAD compares: Non-Finnish European, 0.000085%; no homozygotes.

Submission:

Neuberg Centre For Genomic Medicine, NCGM
Classification: Likely pathogenic for Glycogen storage disease type III. Review status: criteria provided, single submitter. Criteria: ACMG Guidelines, 2015. Collection method: clinical testing. Allele origin: germline. Inheritance: Autosomal recessive inheritance. Affected: yes.
Comment: The splice site c.4260-1G>A variant has not been reported previously as a pathogenic variant nor as a benign variant, to our knowledge. The variant is reported with the allele frequency of 0.0004029% in gnomAD database and is novel (not in any individuals) in 1000 Genomes. The nucleotide change in AGL is predicted as conserved by GERP++ and PhyloP across 100 vertebrates. Loss of function variants have been previously reported to be disease causing. For these reasons, this variant has been classified as Likely Pathogenic.